The following is an entry in ClinVar:

ClinVar aggregate classification (germline): Uncertain significance. Review status: criteria provided, multiple submitters, no conflicts (2 of 4 stars). 2 submissions from 2 submitters: Uncertain significance (2). Last evaluated 2022-03-29.

Conditions:
Inborn genetic diseases. Identifiers: MedGen C0950123, MeSH D030342.
Bailey-Bloch congenital myopathy (CMYO13). Also called: Native American myopathy; STAC3 disorder; Congenital myopathy 13. Identifiers: Orphanet 168572, MedGen C1850625, MONDO:0009722, OMIM 255995.

Submissions (2):

Ambry Genetics
Classification: Uncertain significance for Inborn genetic diseases. Last evaluated: 2022-03-29. Review status: criteria provided, single submitter. Criteria: Ambry Variant Classification Scheme 2023. Collection method: clinical testing. Allele origin: germline.

Labcorp Genetics (formerly Invitae), Labcorp
Classification: Uncertain significance for Bailey-Bloch congenital myopathy. Last evaluated: 2021-10-21. Review status: criteria provided, single submitter. Criteria: Invitae Variant Classification Sherloc (09022015). Collection method: clinical testing. Allele origin: germline.
Comment: This sequence change replaces glutamic acid with glutamine at codon 51 of the STAC3 protein (p.Glu51Gln). The glutamic acid residue is moderately conserved and there is a small physicochemical difference between glutamic acid and glutamine. This variant is not present in population databases (ExAC no frequency). This variant has not been reported in the literature in individuals affected with STAC3-related conditions. Algorithms developed to predict the effect of missense changes on protein structure and function are either unavailable or do not agree on the potential impact of this missense change (SIFT: "Tolerated"; PolyPhen-2: "Possibly Damaging"; Align-GVGD: "Class C0"). In summary, the available evidence is currently insufficient to determine the role of this variant in disease. Therefore, it has been classified as a Variant of Uncertain Significance.

NM_145064.3(STAC3):c.151G>C (p.Glu51Gln)

Gene: STAC3 (SH3 and cysteine rich domain 3; minus strand). Cytogenetic location: 12q13.3.
Variant type: single nucleotide variant.
Coding change: c.151G>C on transcript NM_145064.3 (MANE Select); coding-DNA position 151, G replaced by C.
Protein change: p.Glu51Gln; replaces glutamic acid 51 with glutamine.
Molecular consequence: missense variant. On other transcripts: intron variant (1).
Genome position (GRCh38, 1-based): chr12:57,249,224, C>G on the plus strand (G>C on the coding strand, the complement: STAC3 is on the minus strand). VCF-style: chr12-57249224-C-G. GRCh37 (hg19) VCF-style: chr12-57643007-C-G.
Other names: c.34G>C, p.Glu12Gln (NM_001286256.2); c.-126-1026G>C (NM_001286257.2); c.151G>C (NM_145064.1); short protein forms E12Q, E51Q.
Identifiers: ClinVar variation 1512941 (VCV001512941.7), dbSNP rs2136836172, ClinGen allele CA385417688.
Genomic context (GRCh38, chr12:57,249,224, plus strand): 5'-CTTCCTCTTCCTCTTCCTCATAGATGTAGTAGATGGGCCCACCCCCAGCTCCCACTGCCT[C>G]CCCATTGGCCTGGGGCTCTGGGGGAAGTTCCATCTCCTTTGTCCCTGTAGAACCCTTCCT-3'
Protein context (NP_659501.1, residues 41-61): ELPPEPQANG[Glu51Gln]AVGAGGGPIY